The following is an entry in ClinVar:

ClinVar aggregate classification (germline): Uncertain significance. Review status: criteria provided, multiple submitters, no conflicts (2 of 4 stars). 2 submissions from 2 submitters: Uncertain significance (2). Last evaluated 2025-08-13.

Allele frequency attached by ClinVar (database versions not stated): gnomAD 0.00001; gnomAD exomes 0.00001; TOPMed 0.00001; ExAC 0.00002; 1000 Genomes Project 30x 0.00016; 1000 Genomes Project 0.00020.
gnomAD v4.1: 18 of 1,609,558 alleles (0.0011%); highest among the groups gnomAD compares: Middle Eastern, 0.017%; no homozygotes.

Submissions (2):

Ambry Genetics
Classification: Uncertain significance. Last evaluated: 2025-08-13. Review status: criteria provided, single submitter. Criteria: Ambry Variant Classification Scheme 2023. Collection method: clinical testing. Allele origin: germline.

Labcorp Genetics (formerly Invitae), Labcorp
Classification: Uncertain significance. Last evaluated: 2024-03-23. Review status: criteria provided, single submitter. Criteria: Invitae Variant Classification Sherloc (09022015). Collection method: clinical testing. Allele origin: germline.
Comment: This sequence change replaces arginine, which is basic and polar, with glutamine, which is neutral and polar, at codon 271 of the PALM protein (p.Arg271Gln). This variant is present in population databases (rs547437620, gnomAD 0.007%). This variant has not been reported in the literature in individuals affected with PALM-related conditions. ClinVar contains an entry for this variant (Variation ID: 1400603). An algorithm developed to predict the effect of missense changes on protein structure and function (PolyPhen-2) suggests that this variant is likely to be tolerated. In summary, the available evidence is currently insufficient to determine the role of this variant in disease. Therefore, it has been classified as a Variant of Uncertain Significance.

NM_002579.3(PALM):c.812G>A (p.Arg271Gln)

Gene: PALM (paralemmin; plus strand). Cytogenetic location: 19p13.3.
Variant type: single nucleotide variant.
Coding change: c.812G>A on transcript NM_002579.3 (MANE Select); coding-DNA position 812, G replaced by A.
Protein change: p.Arg271Gln; replaces arginine 271 with glutamine.
Molecular consequence: missense variant.
Genome position (GRCh38, 1-based): chr19:746,462, G>A. VCF-style: chr19-746462-G-A. GRCh37 (hg19) VCF-style: chr19-746462-G-A.
Other names: c.680G>A, p.Arg227Gln (NM_001040134.2); c.812G>A (NM_002579.2); short protein forms R227Q, R271Q.
Identifiers: ClinVar variation 1400603 (VCV001400603.7), dbSNP rs547437620, ClinGen allele CA9022788.
Genomic context (GRCh38, chr19:746,462, plus strand): 5'-CCGGGGCGGCAGAGACCCGGGGGGCTGTGGAGGGGGCAGCCCGGACCACGCCCTCCCGGC[G>A]GGAGATCACCGGTGTGCAGGCACAGCCAGGCGAGGCCACGTCCGGCCCGCCGGGGATCCA-3'
Protein context (NP_002570.2, residues 261-281): EGAARTTPSR[Arg271Gln]EITGVQAQPG